The following is an entry in ClinVar:

NM_001165963.4(SCN1A):c.2798A>T (p.His933Leu)

Gene: SCN1A (sodium voltage-gated channel alpha subunit 1; minus strand). Cytogenetic location: 2q24.3.
Variant type: single nucleotide variant.
Coding change: c.2798A>T on transcript NM_001165963.4 (MANE Select); coding-DNA position 2798, A replaced by T.
Protein change: p.His933Leu; replaces histidine 933 with leucine.
Molecular consequence: missense variant. On other transcripts: non-coding transcript variant (1).
Genome position (GRCh38, 1-based): chr2:166,037,924, T>A on the plus strand (A>T on the coding strand, the complement: SCN1A is on the minus strand). VCF-style: chr2-166037924-T-A. GRCh37 (hg19) VCF-style: chr2-166894434-T-A.
Other names: c.2714A>T, p.His905Leu (NM_001165964.3, NM_001353957.2, NM_001353958.2); c.2798A>T, p.His933Leu (NM_001202435.3, NM_001353948.2); c.2765A>T, p.His922Leu (NM_001353949.2, NM_001353950.2, NM_001353951.2 and 2 more transcripts); c.2762A>T, p.His921Leu (NM_001353954.2, NM_001353955.2); c.2711A>T, p.His904Leu (NM_001353960.2); c.356A>T, p.His119Leu (NM_001353961.2); short protein forms H905L, H933L, H904L, H921L, H119L, H922L.
Identifiers: ClinVar variation 864594 (VCV000864594.10), dbSNP rs1696637467, ClinGen allele CA349061350.
Genomic context (GRCh38, chr2:166,037,924, plus strand): 5'-ATCCACTCCCCACACAGCACGCGGAACACAATCAGGAAGGAGTGGAAGAAGTCATTCATG[T>A]GCCAGCGTGGGAGTTGACAATCACTGGCGATCTTGCAGACACAATCTTTGTAGCTTTTAC-3'
Protein context (NP_001159435.1, residues 923-943): IASDCQLPRW[His933Leu]MNDFFHSFLI

ClinVar aggregate classification (germline): Uncertain significance (1 of 4 stars; one submission).

Conditions:
Early-infantile DEE. Also called: Early infantile epileptic encephalopathy; Early infantile epileptic encephalopathy with suppression bursts; Ohtahara syndrome. Identifiers: Orphanet 1934, MedGen C0393706, MONDO:0800491.

Submission:

Labcorp Genetics (formerly Invitae), Labcorp
Classification: Uncertain significance for Early-infantile DEE. Last evaluated: 2019-11-18. Review status: criteria provided, single submitter. Criteria: Invitae Variant Classification Sherloc (09022015). Collection method: clinical testing. Allele origin: germline.
Comment: Algorithms developed to predict the effect of missense changes on protein structure and function (SIFT, PolyPhen-2, Align-GVGD) all suggest that this variant is likely to be disruptive, but these predictions have not been confirmed by published functional studies and their clinical significance is uncertain. In summary, the available evidence is currently insufficient to determine the role of this variant in disease. Therefore, it has been classified as a Variant of Uncertain Significance. This variant disrupts the p.His933 amino acid residue in SCN1A. Other variant(s) that disrupt this residue have been observed in individuals with SCN1A-related conditions (PMID: 21248271), which suggests that this may be a clinically significant amino acid residue. This variant has been observed in individual(s) with clinical features of early infantile epileptic encephalopathy (Invitae). This variant is not present in population databases (ExAC no frequency). This sequence change replaces histidine with leucine at codon 933 of the SCN1A protein (p.His933Leu). The histidine residue is highly conserved and there is a moderate physicochemical difference between histidine and leucine.

Literature cited by the submitters: PubMed 21248271.